The following is an entry in ClinVar:

ClinVar aggregate classification (germline): Likely pathogenic (1 of 4 stars; one submission).

Submission:

GeneDx
Classification: Likely pathogenic. Last evaluated: 2025-01-20. Review status: criteria provided, single submitter. Criteria: GeneDx Variant Classification Process June 2021. Collection method: clinical testing. Allele origin: germline. Affected: yes.
Comment: Not observed at significant frequency in large population cohorts (gnomAD); In silico analysis supports that this missense variant has a deleterious effect on protein structure/function; Has not been previously published as pathogenic or benign to our knowledge

NM_001042681.2(RERE):c.3830C>T (p.Pro1277Leu)

Gene: RERE (arginine-glutamic acid dipeptide repeats; minus strand). Cytogenetic location: 1p36.23.
Variant type: single nucleotide variant.
Coding change: c.3830C>T on transcript NM_001042681.2 (MANE Select); coding-DNA position 3830, C replaced by T.
Protein change: p.Pro1277Leu; replaces proline 1277 with leucine.
Molecular consequence: missense variant.
Genome position (GRCh38, 1-based): chr1:8,358,705, G>A on the plus strand (C>T on the coding strand, the complement: RERE is on the minus strand). VCF-style: chr1-8358705-G-A. GRCh37 (hg19) VCF-style: chr1-8418765-G-A.
Other names: c.2168C>T, p.Pro723Leu (NM_001042682.2); c.3830C>T, p.Pro1277Leu (NM_012102.4); short protein forms P1277L, P723L.
Identifiers: ClinVar variation 3573593 (VCV003573593.1).